The following is an entry in ClinVar:

ClinVar aggregate classification (germline): Uncertain significance (1 of 4 stars; one submission).

Conditions:
Mosaic variegated aneuploidy syndrome 1 (MVA1). Also called: Warburton-Anyane-Yeboa syndrome. Identifiers: Orphanet 1052, MedGen C1850343, MONDO:0009759, OMIM 257300.

Allele frequency attached by ClinVar (database versions not stated): TOPMed 0.00002; gnomAD 0.00003; 1000 Genomes Project 0.00020; 1000 Genomes Project 30x 0.00031.
gnomAD v4.1: 22 of 1,613,692 alleles (0.0014%); highest among the groups gnomAD compares: African/African-American, 0.0053%; no homozygotes.

Submission:

Labcorp Genetics (formerly Invitae), Labcorp
Classification: Uncertain significance for Mosaic variegated aneuploidy syndrome 1. Last evaluated: 2023-11-23. Review status: criteria provided, single submitter. Criteria: Invitae Variant Classification Sherloc (09022015). Collection method: clinical testing. Allele origin: germline.
Comment: This sequence change replaces serine, which is neutral and polar, with leucine, which is neutral and non-polar, at codon 691 of the BUB1B protein (p.Ser691Leu). This variant is present in population databases (rs200060772, gnomAD 0.004%). This variant has not been reported in the literature in individuals affected with BUB1B-related conditions. ClinVar contains an entry for this variant (Variation ID: 1475741). An algorithm developed to predict the effect of missense changes on protein structure and function (PolyPhen-2) suggests that this variant is likely to be disruptive. In summary, the available evidence is currently insufficient to determine the role of this variant in disease. Therefore, it has been classified as a Variant of Uncertain Significance.

NM_001211.6(BUB1B):c.2072C>T (p.Ser691Leu)

Gene: BUB1B (BUB1 mitotic checkpoint serine/threonine kinase B; plus strand). Cytogenetic location: 15q15.1.
Variant type: single nucleotide variant.
Coding change: c.2072C>T on transcript NM_001211.6 (MANE Select); coding-DNA position 2072, C replaced by T.
Protein change: p.Ser691Leu; replaces serine 691 with leucine.
Molecular consequence: missense variant.
Genome position (GRCh38, 1-based): chr15:40,208,699, C>T. VCF-style: chr15-40208699-C-T. GRCh37 (hg19) VCF-style: chr15-40500900-C-T.
Other names: short protein forms S691L.
Identifiers: ClinVar variation 1475741 (VCV001475741.6), dbSNP rs200060772, ClinGen allele CA268799887.